The following is an entry in ClinVar:

NM_000350.3(ABCA4):c.3826del (p.Val1276fs)

Genes: ABCA4 (ATP binding cassette subfamily A member 4; minus strand), LOC126805794 (BRD4-independent group 4 enhancer GRCh37_chr1:94502188-94503387; plus strand). Cytogenetic location: 1p22.1.
Variant type: Deletion.
Coding change: c.3826del on transcript NM_000350.3 (MANE Select); coding-DNA position 3826, one base deleted (G; older notation c.3826delG).
Protein change: p.Val1276fs; shifts the reading frame from valine 1276.
Molecular consequence: frameshift variant.
Genome position (GRCh38, 1-based): chr1:94,036,776, C deleted on the plus strand (G on the coding strand, the reverse complement: ABCA4 is on the minus strand); the first of 2 consecutive C bases (chr1:94,036,776-94,036,777); deleting either gives the same sequence. VCF-style (leftmost placement, unchanged base first): chr1-94036775-AC-A. GRCh37 (hg19) VCF-style: chr1-94502331-AC-A.
Other names: c.3603delG, p.Val1202Serfs (NM_001425324.1); short protein forms V1276fs.
Identifiers: ClinVar variation 940788 (VCV000940788.8), dbSNP rs1660349633, ClinGen allele CA1139656202.

ClinVar aggregate classification (germline): Pathogenic (1 of 4 stars; one submission).

Submission:

Labcorp Genetics (formerly Invitae), Labcorp
Classification: Pathogenic. Last evaluated: 2019-09-26. Review status: criteria provided, single submitter. Criteria: Invitae Variant Classification Sherloc (09022015). Collection method: clinical testing. Allele origin: germline.
Comment: This variant has not been reported in the literature in individuals with ABCA4-related conditions. This variant is not present in population databases (ExAC no frequency). This sequence change creates a premature translational stop signal (p.Val1276Serfs*113) in the ABCA4 gene. It is expected to result in an absent or disrupted protein product. Loss-of-function variants in ABCA4 are known to be pathogenic (PMID: 10958761, 24938718, 25312043, 26780318). For these reasons, this variant has been classified as Pathogenic.

Literature cited by the submitters: PubMed 10958761; PubMed 24938718; PubMed 25312043; PubMed 26780318.